The following is an entry in ClinVar:

NM_001369623.2(PI4KB):c.1669C>T (p.Arg557Trp)

Gene: PI4KB (phosphatidylinositol 4-kinase beta; minus strand). Cytogenetic location: 1q21.3.
Variant type: single nucleotide variant.
Coding change: c.1669C>T on transcript NM_001369623.2 (MANE Select); coding-DNA position 1669, C replaced by T.
Protein change: p.Arg557Trp; replaces arginine 557 with tryptophan.
Molecular consequence: missense variant.
Genome position (GRCh38, 1-based): chr1:151,301,924, G>A on the plus strand (C>T on the coding strand, the complement: PI4KB is on the minus strand). VCF-style: chr1-151301924-G-A. GRCh37 (hg19) VCF-style: chr1-151274400-G-A.
Other names: c.1624C>T, p.Arg542Trp (NM_001198773.3, NM_001198774.2, NM_001369624.1); c.673C>T, p.Arg225Trp (NM_001198775.3); c.1669C>T, p.Arg557Trp (NM_001330721.2, NM_001369626.1, NM_001369629.2); c.1660C>T, p.Arg554Trp (NM_001369625.1, NM_001369628.1); c.1705C>T, p.Arg569Trp (NM_002651.4); short protein forms R557W, R569W, R554W, R225W, R542W.
Identifiers: ClinVar variation 4981267 (VCV004981267.1).

ClinVar aggregate classification (germline): Uncertain significance (1 of 4 stars; one submission).

Conditions:
PI4KB-related disorder. Also called: PI4KB-related condition.

gnomAD v4.1: 58 of 1,613,998 alleles (0.0036%); highest among the groups gnomAD compares: Admixed American, 0.043%; no homozygotes.

Submission:

PreventionGenetics, part of Exact Sciences
Classification: Uncertain significance for PI4KB-related condition. Last evaluated: 2026-05-27. Review status: criteria provided, single submitter. Criteria: ACMG Guidelines, 2015. Collection method: clinical testing. Allele origin: germline.
Comment: The PI4KB c.1705C>T variant is predicted to result in the amino acid substitution p.Arg569Trp. To our knowledge, this variant has not been reported in the literature. This variant is reported in 0.028% of alleles in individuals of Latino descent in gnomAD, which may be too frequent to be a primary cause of disease. Although we suspect that this variant may be benign, at this time, the clinical significance of this variant is uncertain due to the absence of conclusive functional and genetic evidence.